The following is an entry in ClinVar:

ClinVar aggregate classification (germline): Uncertain significance (1 of 4 stars; one submission).

Allele frequency attached by ClinVar (database versions not stated): gnomAD exomes below 0.00001 and 0.00001; ExAC 0.00001; gnomAD 0.00001; 1000 Genomes Project 30x 0.00016; 1000 Genomes Project 0.00020.
gnomAD v4.1: 5 of 1,614,116 alleles (0.00031%); highest among the groups gnomAD compares: Middle Eastern, 0.017%; no homozygotes.

Submission:

Labcorp Genetics (formerly Invitae), Labcorp
Classification: Uncertain significance. Last evaluated: 2020-12-14. Review status: criteria provided, single submitter. Criteria: Invitae Variant Classification Sherloc (09022015). Collection method: clinical testing. Allele origin: germline.
Comment: In summary, the available evidence is currently insufficient to determine the role of this variant in disease. Therefore, it has been classified as a Variant of Uncertain Significance. Algorithms developed to predict the effect of missense changes on protein structure and function (SIFT, PolyPhen-2, Align-GVGD) all suggest that this variant is likely to be tolerated, but these predictions have not been confirmed by published functional studies and their clinical significance is uncertain. This variant has not been reported in the literature in individuals with HSPG2-related conditions. This variant is present in population databases (rs533049305, ExAC 0.009%). This sequence change replaces alanine with valine at codon 271 of the HSPG2 protein (p.Ala271Val). The alanine residue is weakly conserved and there is a small physicochemical difference between alanine and valine.

NM_005529.7(HSPG2):c.812C>T (p.Ala271Val)

Gene: HSPG2 (heparan sulfate proteoglycan 2; minus strand). Cytogenetic location: 1p36.12.
Variant type: single nucleotide variant.
Coding change: c.812C>T on transcript NM_005529.7 (MANE Select); coding-DNA position 812, C replaced by T.
Protein change: p.Ala271Val; replaces alanine 271 with valine.
Molecular consequence: missense variant.
Genome position (GRCh38, 1-based): chr1:21,887,566, G>A on the plus strand (C>T on the coding strand, the complement: HSPG2 is on the minus strand). VCF-style: chr1-21887566-G-A. GRCh37 (hg19) VCF-style: chr1-22214059-G-A.
Other names: c.812C>T, p.Ala271Val (NM_001291860.2); short protein forms A271V.
Identifiers: ClinVar variation 1396123 (VCV001396123.8), dbSNP rs533049305, ClinGen allele CA673691.
Genomic context (GRCh38, chr1:21,887,566, plus strand): 5'-GCGGCCTCCTGGGGCCCACAGGGCAGGGGCCTGACGGAACCGGGAAGCAGGGGCTGAGGA[G>A]CGTGGGTGACTGGTGGCTGTCGCATGATGGTTGTCTCTGGCCGGGGCGGTAAAGATGTCG-3'
Protein context (NP_005520.4, residues 261-281): TIMRQPPVTH[Ala271Val]PQPLLPGSVR